The following is an entry in ClinVar:

NM_001303256.3(MORC2):c.1816C>G (p.Pro606Ala)

Gene: MORC2 (MORC family CW-type zinc finger 2; minus strand). Cytogenetic location: 22q12.2.
Variant type: single nucleotide variant.
Coding change: c.1816C>G on transcript NM_001303256.3 (MANE Select); coding-DNA position 1816, C replaced by G.
Protein change: p.Pro606Ala; replaces proline 606 with alanine.
Molecular consequence: missense variant.
Genome position (GRCh38, 1-based): chr22:30,935,158, G>C on the plus strand (C>G on the coding strand, the complement: MORC2 is on the minus strand). VCF-style: chr22-30935158-G-C. GRCh37 (hg19) VCF-style: chr22-31331145-G-C.
Other names: c.1816C>G, p.Pro606Ala (NM_001303257.2); c.1630C>G, p.Pro544Ala (NM_014941.3); short protein forms P544A, P606A.
Identifiers: ClinVar variation 4293557 (VCV004293557.1).
Genomic context (GRCh38, chr22:30,935,158, plus strand): 5'-GGGCGTTCCTGATCACAGCAGGTAAAGGGGGCGACCGAGGACGCTGAGGTCTACGCACAG[G>C]TTCCTAAAAAAAGGCCCACAGAGAGTGAGAACACTGATCCTAGCATGAGACACCTGAGGA-3'
Protein context (NP_001290185.1, residues 596-616): EVTTRPSTEE[Pro606Ala]VRRPQRPRSP

ClinVar aggregate classification (germline): Uncertain significance (1 of 4 stars; one submission).

Conditions:
Developmental delay, impaired growth, dysmorphic facies, and axonal neuropathy. Identifiers: MedGen C5436781, MONDO:0030835, OMIM 619090.

Submission:

3billion
Classification: Uncertain significance for Developmental delay, impaired growth, dysmorphic facies, and axonal neuropathy. Last evaluated: 2024-11-10. Review status: criteria provided, single submitter. Criteria: ACMG Guidelines, 2015. Collection method: clinical testing. Allele origin: germline. Affected: yes.
Comment: The variant is not observed in the gnomAD v4.1.0 dataset. Predicted Consequence/Location: Missense variant. Missense changes are a common disease-causing mechanism. In silico tools predict the variant to alter splicing and produce an abnormal transcript [SpliceAI: 0.49 (>=0.2, moderate evidence for spliceogenicity)]. Different missense changes at the same codon have been reported as of uncertain significance (ClinVar ID: VCV000662463, VCV001700526). Therefore, this variant is classified as VUS according to the recommendation of ACMG/AMP guideline.